The following is an entry in ClinVar:

NM_002354.3(EPCAM):c.606A>C (p.Lys202Asn)

Gene: EPCAM (epithelial cell adhesion molecule; plus strand). Cytogenetic location: 2p21.
Variant type: single nucleotide variant.
Coding change: c.606A>C on transcript NM_002354.3 (MANE Select); coding-DNA position 606, A replaced by C.
Protein change: p.Lys202Asn; replaces lysine 202 with asparagine.
Molecular consequence: missense variant.
Genome position (GRCh38, 1-based): chr2:47,379,003, A>C. VCF-style: chr2-47379003-A-C. GRCh37 (hg19) VCF-style: chr2-47606142-A-C.
Other names: short protein forms K202N.
Identifiers: ClinVar variation 2452154 (VCV002452154.2), dbSNP rs2465471018, ClinGen allele CA346724194.
Genomic context (GRCh38, chr2:47,379,003, plus strand): 5'-TTTTCCCCAGTATGAGAATAATGTTATCACTATTGATCTGGTTCAAAATTCTTCTCAAAA[A>C]ACTCAGAATGATGTGGACATAGCTGATGTGGCTTATTATTTTGAAAAAGATGTGAGTATC-3'
Protein context (NP_002345.2, residues 192-212): TIDLVQNSSQ[Lys202Asn]TQNDVDIADV

ClinVar aggregate classification (germline): Uncertain significance (1 of 4 stars; one submission).

Conditions:
Hereditary cancer-predisposing syndrome. Also called: Neoplastic Syndromes, Hereditary; Tumor predisposition; Hereditary neoplastic syndrome; Hereditary Cancer Syndrome. Identifiers: Orphanet 140162, MedGen C0027672, MeSH D009386, MONDO:0015356.

Submission:

Ambry Genetics
Classification: Uncertain significance for Hereditary cancer-predisposing syndrome. Last evaluated: 2022-11-24. Review status: criteria provided, single submitter. Criteria: Ambry Variant Classification Scheme 2023. Collection method: clinical testing. Allele origin: germline.
Comment: The p.K202N variant (also known as c.606A>C), located in coding exon 6 of the EPCAM gene, results from an A to C substitution at nucleotide position 606. The lysine at codon 202 is replaced by asparagine, an amino acid with similar properties. This amino acid position is conserved. In addition, this alteration is predicted to be tolerated by in silico analysis. Since supporting evidence is limited at this time, the clinical significance of this alteration remains unclear.